The following is an entry in ClinVar:

NM_006164.5(NFE2L2):c.1076A>G (p.His359Arg)

Gene: NFE2L2 (NFE2 like bZIP transcription factor 2; minus strand). Cytogenetic location: 2q31.2.
Variant type: single nucleotide variant.
Coding change: c.1076A>G on transcript NM_006164.5 (MANE Select); coding-DNA position 1076, A replaced by G.
Protein change: p.His359Arg; replaces histidine 359 with arginine.
Molecular consequence: missense variant.
Genome position (GRCh38, 1-based): chr2:177,231,527, T>C on the plus strand (A>G on the coding strand, the complement: NFE2L2 is on the minus strand). VCF-style: chr2-177231527-T-C. GRCh37 (hg19) VCF-style: chr2-178096255-T-C.
Other names: c.1028A>G, p.His343Arg (NM_001145412.3, NM_001313900.1, NM_001313901.1); c.1007A>G, p.His336Arg (NM_001145413.3); c.986A>G, p.His329Arg (NM_001313902.2); c.857A>G, p.His286Arg (NM_001313903.2); c.776A>G, p.His259Arg (NM_001313904.1); short protein forms H259R, H286R, H343R, H329R, H336R, H359R.
Identifiers: ClinVar variation 2013427 (VCV002013427.4), dbSNP rs2105452851, ClinGen allele CA349372254.

ClinVar aggregate classification (germline): Uncertain significance (1 of 4 stars; one submission).

Submission:

Labcorp Genetics (formerly Invitae), Labcorp
Classification: Uncertain significance. Last evaluated: 2024-02-23. Review status: criteria provided, single submitter. Criteria: Invitae Variant Classification Sherloc (09022015). Collection method: clinical testing. Allele origin: germline.
Comment: This sequence change replaces histidine, which is basic and polar, with arginine, which is basic and polar, at codon 359 of the NFE2L2 protein (p.His359Arg). This variant is not present in population databases (gnomAD no frequency). This variant has not been reported in the literature in individuals affected with NFE2L2-related conditions. ClinVar contains an entry for this variant (Variation ID: 2013427). Advanced modeling of protein sequence and biophysical properties (such as structural, functional, and spatial information, amino acid conservation, physicochemical variation, residue mobility, and thermodynamic stability) performed at Invitae indicates that this missense variant is not expected to disrupt NFE2L2 protein function with a negative predictive value of 80%. In summary, the available evidence is currently insufficient to determine the role of this variant in disease. Therefore, it has been classified as a Variant of Uncertain Significance.